The following is an entry in ClinVar:

ClinVar aggregate classification (germline): Benign/Likely benign. Review status: criteria provided, multiple submitters, no conflicts (2 of 4 stars). 3 submissions from 3 submitters: Benign (1); Likely benign (2). Last evaluated 2025-03-27.

Conditions:
Peutz-Jeghers syndrome (PJS). Also called: POLYPOSIS, HAMARTOMATOUS INTESTINAL; POLYPS-AND-SPOTS SYNDROME; Peutz-Jeghers polyposis; Periorificial lentiginosis syndrome. Identifiers: Orphanet 2869, MedGen C0031269, MeSH D010580, MONDO:0008280, OMIM 175200.
Hereditary cancer-predisposing syndrome. Also called: Tumor predisposition; Hereditary Cancer Syndrome; Neoplastic Syndromes, Hereditary; Hereditary neoplastic syndrome. Identifiers: Orphanet 140162, MedGen C0027672, MeSH D009386, MONDO:0015356.

Allele frequency attached by ClinVar (database versions not stated): gnomAD exomes below 0.00001.
gnomAD v4.1: 3 of 1,610,894 alleles (0.00019%); highest among the groups gnomAD compares: Non-Finnish European, 0.00025%; no homozygotes.

Submissions (3):

Myriad Genetics, Inc.
Classification: Benign for Peutz-Jeghers syndrome. Last evaluated: 2025-03-27. Review status: criteria provided, single submitter. Criteria: Myriad Autosomal Dominant, Autosomal Recessive and X-Linked Classification Criteria (2023). Collection method: clinical testing. Allele origin: unknown.
Comment: This variant is considered benign. This variant is a silent/synonymous amino acid change and it is not expected to impact splicing.

Labcorp Genetics (formerly Invitae), Labcorp
Classification: Likely benign for Peutz-Jeghers syndrome. Last evaluated: 2022-03-06. Review status: criteria provided, single submitter. Criteria: Invitae Variant Classification Sherloc (09022015). Collection method: clinical testing. Allele origin: germline.

Ambry Genetics
Classification: Likely benign for Hereditary cancer-predisposing syndrome. Last evaluated: 2022-02-17. Review status: criteria provided, single submitter. Criteria: Ambry Variant Classification Scheme 2023. Collection method: clinical testing. Allele origin: germline.

NM_000455.5(STK11):c.699C>G (p.Gly233=)

Gene: STK11 (serine/threonine kinase 11; plus strand). Cytogenetic location: 19p13.3.
Variant type: single nucleotide variant.
Coding change: c.699C>G on transcript NM_000455.5 (MANE Select); coding-DNA position 699, C replaced by G.
Protein change: p.Gly233=; no amino-acid change (glycine 233 retained).
Molecular consequence: synonymous variant.
Genome position (GRCh38, 1-based): chr19:1,220,682, C>G. VCF-style: chr19-1220682-C-G. GRCh37 (hg19) VCF-style: chr19-1220681-C-G.
Identifiers: ClinVar variation 762496 (VCV000762496.11), dbSNP rs1490687998, ClinGen allele CA504892280.